The following is an entry in ClinVar:

NM_000760.4(CSF3R):c.2245C>T (p.Gln749Ter)

Gene: CSF3R (colony stimulating factor 3 receptor; minus strand). Cytogenetic location: 1p34.3.
Variant type: single nucleotide variant.
Coding change: c.2245C>T on transcript NM_000760.4 (MANE Select); coding-DNA position 2245, C replaced by T.
Protein change: p.Gln749Ter; replaces glutamine 749 with a stop codon.
Molecular consequence: nonsense.
Genome position (GRCh38, 1-based): chr1:36,466,623, G>A on the plus strand (C>T on the coding strand, the complement: CSF3R is on the minus strand). VCF-style: chr1-36466623-G-A. GRCh37 (hg19) VCF-style: chr1-36932224-G-A.
Other names: c.2326C>T, p.Gln776Ter (NM_156039.3); c.2245C>T, p.Gln749Ter (NM_172313.3); c.2245C>T (NM_000760.3); short protein forms Q749*, Q776*.
Identifiers: ClinVar variation 988434 (VCV000988434.7), dbSNP rs1650332196, ClinGen allele CA339413505.

ClinVar aggregate classification (germline): Conflicting classifications of pathogenicity. Review status: criteria provided, conflicting classifications (1 of 4 stars). 3 submissions from 3 submitters: Pathogenic (1); Uncertain significance (2). Last evaluated 2023-03-15.

Conditions:
Autosomal recessive severe congenital neutropenia due to CSF3R deficiency. Also called: Neutropenia, severe congenital, 7, autosomal recessive. Identifiers: Orphanet 420702, MedGen C4310764, MONDO:0014865, OMIM 617014.

Submissions (3):

Labcorp Genetics (formerly Invitae), Labcorp
Classification: Uncertain significance for Autosomal recessive severe congenital neutropenia due to CSF3R deficiency. Last evaluated: 2023-03-15. Review status: criteria provided, single submitter. Criteria: Invitae Variant Classification Sherloc (09022015). Collection method: clinical testing. Allele origin: germline.
Comment: This variant is not present in population databases (gnomAD no frequency). This variant has not been reported in the literature in individuals affected with CSF3R-related conditions. This sequence change creates a premature translational stop signal (p.Gln749*) in the CSF3R gene. While this is not anticipated to result in nonsense mediated decay, it is expected to disrupt the last 88 amino acid(s) of the CSF3R protein. ClinVar contains an entry for this variant (Variation ID: 988434). In summary, the available evidence is currently insufficient to determine the role of this variant in disease. Therefore, it has been classified as a Variant of Uncertain Significance. Experimental studies and prediction algorithms are not available or were not evaluated, and the functional significance of this variant is currently unknown.

Clinical Genetics and Genomics, Karolinska University Hospital
Classification: Pathogenic. Last evaluated: 2019-04-10. Review status: criteria provided, single submitter. Criteria: ACMG Guidelines, 2015. Collection method: clinical testing. Allele origin: unknown. Affected: yes. Observed: 1 variant allele.

Revvity Omics, Revvity
Classification: Uncertain significance. Last evaluated: 2019-01-07. Review status: criteria provided, single submitter. Criteria: ACMG Guidelines, 2015. Collection method: clinical testing. Allele origin: germline.